The following is an entry in ClinVar:

NM_014049.5(ACAD9):c.1058C>T (p.Ala353Val)

Gene: ACAD9 (acyl-CoA dehydrogenase family member 9; plus strand). Cytogenetic location: 3q21.3.
Variant type: single nucleotide variant.
Coding change: c.1058C>T on transcript NM_014049.5 (MANE Select); coding-DNA position 1058, C replaced by T.
Protein change: p.Ala353Val; replaces alanine 353 with valine.
Molecular consequence: missense variant. On other transcripts: non-coding transcript variant (1).
Genome position (GRCh38, 1-based): chr3:128,904,414, C>T. VCF-style: chr3-128904414-C-T. GRCh37 (hg19) VCF-style: chr3-128623257-C-T.
Other names: c.689C>T, p.Ala230Val (NM_001410805.1); c.1058C>T (NM_014049.4); short protein forms A230V, A353V.
Identifiers: ClinVar variation 2154076 (VCV002154076.4), dbSNP rs960091334, ClinGen allele CA82533219.

ClinVar aggregate classification (germline): Uncertain significance. Review status: criteria provided, multiple submitters, no conflicts (2 of 4 stars). 2 submissions from 2 submitters: Uncertain significance (2). Last evaluated 2024-03-20.

Allele frequency attached by ClinVar (database versions not stated): gnomAD exomes below 0.00001; TOPMed below 0.00001; gnomAD 0.00001.

Submissions (2):

Labcorp Genetics (formerly Invitae), Labcorp
Classification: Uncertain significance. Last evaluated: 2024-03-20. Review status: criteria provided, single submitter. Criteria: Invitae Variant Classification Sherloc (09022015). Collection method: clinical testing. Allele origin: germline.
Comment: This sequence change replaces alanine, which is neutral and non-polar, with valine, which is neutral and non-polar, at codon 353 of the ACAD9 protein (p.Ala353Val). This variant is present in population databases (no rsID available, gnomAD 0.003%). This variant has not been reported in the literature in individuals affected with ACAD9-related conditions. ClinVar contains an entry for this variant (Variation ID: 2154076). Advanced modeling of protein sequence and biophysical properties (such as structural, functional, and spatial information, amino acid conservation, physicochemical variation, residue mobility, and thermodynamic stability) performed at Invitae indicates that this missense variant is not expected to disrupt ACAD9 protein function with a negative predictive value of 80%. In summary, the available evidence is currently insufficient to determine the role of this variant in disease. Therefore, it has been classified as a Variant of Uncertain Significance.

GeneDx
Classification: Uncertain significance. Last evaluated: 2024-02-15. Review status: criteria provided, single submitter. Criteria: GeneDx Variant Classification Process June 2021. Collection method: clinical testing. Allele origin: germline. Affected: yes.
Comment: Not observed at significant frequency in large population cohorts (gnomAD); In silico analysis supports that this missense variant does not alter protein structure/function; Has not been previously published as pathogenic or benign to our knowledge